The following is an entry in ClinVar:

ClinVar aggregate classification (germline): Conflicting classifications of pathogenicity. Review status: criteria provided, conflicting classifications (1 of 4 stars). 2 submissions from 2 submitters: Uncertain significance (1); Likely benign (1). Last evaluated 2024-09-27.

Conditions:
Nephrolithiasis/nephrocalcinosis. Identifiers: MedGen CN580796.
Charcot-Marie-Tooth Neuropathy X. Identifiers: MedGen CN118851.

Allele frequency attached by ClinVar (database versions not stated): TOPMed 0.00001.

Submissions (2):

Labcorp Genetics (formerly Invitae), Labcorp
Classification: Likely benign for Charcot-Marie-Tooth Neuropathy X. Last evaluated: 2024-09-27. Review status: criteria provided, single submitter. Criteria: Invitae Variant Classification Sherloc (09022015). Collection method: clinical testing. Allele origin: germline.

Ambry Genetics
Classification: Uncertain significance for Nephrolithiasis/nephrocalcinosis. Last evaluated: 2019-09-20. Review status: criteria provided, single submitter. Criteria: Ambry Variant Classification Scheme 2023. Collection method: clinical testing. Allele origin: germline.
Comment: The c.705-4C>T intronic variant results from a C to T substitution 4 nucleotides upstream from coding exon 6 in the PRPS1 gene. This nucleotide position is not well conserved in available vertebrate species. Using the BDGP and ESEfinder splice site prediction tools, this alteration is not predicted to have any significant effect on this splice acceptor site; however, direct evidence is unavailable. Since supporting evidence is limited at this time, the clinical significance of this alteration remains unclear.

NM_002764.4(PRPS1):c.705-4C>T

Gene: PRPS1 (phosphoribosyl pyrophosphate synthetase 1; plus strand). Cytogenetic location: Xq22.3.
Variant type: single nucleotide variant.
Coding change: c.705-4C>T on transcript NM_002764.4 (MANE Select); 4 bases into the intron before coding-DNA position 705, C replaced by T.
Molecular consequence: intron variant.
Genome position (GRCh38, 1-based): chrX:107,647,602, C>T. VCF-style: chrX-107647602-C-T. GRCh37 (hg19) VCF-style: chrX-106890832-C-T.
Other names: c.93-4C>T (NM_001204402.2).
Identifiers: ClinVar variation 1665993 (VCV001665993.10), dbSNP rs1925730100, ClinGen allele CA2450375542.